The following is an entry in ClinVar:

ClinVar aggregate classification (germline): Uncertain significance (1 of 4 stars; one submission).

Submission:

Labcorp Genetics (formerly Invitae), Labcorp
Classification: Uncertain significance. Last evaluated: 2022-10-05. Review status: criteria provided, single submitter. Criteria: Invitae Variant Classification Sherloc (09022015). Collection method: clinical testing. Allele origin: germline.
Comment: This sequence change falls in intron 3 of the CERKL gene. It does not directly change the encoded amino acid sequence of the CERKL protein. This variant is not present in population databases (gnomAD no frequency). This variant has not been reported in the literature in individuals affected with CERKL-related conditions. Algorithms developed to predict the effect of sequence changes on RNA splicing suggest that this variant may disrupt the consensus splice site. In summary, the available evidence is currently insufficient to determine the role of this variant in disease. Therefore, it has been classified as a Variant of Uncertain Significance.

NM_201548.5(CERKL):c.614-13dup

Gene: CERKL (CERK like autophagy regulator; minus strand). Cytogenetic location: 2q31.3.
Variant type: Duplication.
Coding change: c.614-13dup on transcript NM_201548.5 (MANE Select); 13 bases into the intron before coding-DNA position 614, one base duplicated (G; older notation c.614-13dupG).
Molecular consequence: intron variant.
Genome position (GRCh38, 1-based): chr2:181,566,134, C duplicated on the plus strand (G on the coding strand, the reverse complement: CERKL is on the minus strand). VCF-style (leftmost placement, unchanged base first): chr2-181566133-A-AC. GRCh37 (hg19) VCF-style: chr2-182430860-A-AC.
Other names: c.482-16426dup (NM_001030312.3); c.482-13dup (NM_001160277.2); c.613+7619dup (NM_001030313.3); c.614-13dup (NM_001030311.3).
Identifiers: ClinVar variation 2034283 (VCV002034283.4), dbSNP rs2468336749, ClinGen allele CA2580065229.
Genomic context (GRCh38, chr2:181,566,133, plus strand): 5'-AGTTCACATTCCTTAAGCAGTGACAGAGCGTGCCCTTCATATTCCATTACTATTAAAAAA[A>AC]CACACACACATACACAAAGTGACAGTTTTAAACAATGATCACACTTTTTAACTTGTTCTG-3'